The following is an entry in ClinVar:

ClinVar aggregate classification (germline): Pathogenic. Review status: criteria provided, multiple submitters, no conflicts (2 of 4 stars). 2 submissions from 2 submitters: Pathogenic (2). Last evaluated 2024-07-30.

Conditions:
Osteogenesis imperfecta type I (OI1). Also called: OI, TYPE I; OSTEOGENESIS IMPERFECTA TARDA; OSTEOGENESIS IMPERFECTA WITH BLUE SCLERAE; Osteogenesis imperfecta type 1; Lobstein's Disease; Lobstein disease. Identifiers: Orphanet 216796, Orphanet 666, MedGen C0023931, MONDO:0008146, OMIM 166200. Disease mechanism: loss of function.
COL1A1-related disorder. Also called: COL1A1- related disease; COL1A1-related condition.

Submissions (2):

Blueprint Genetics
Classification: Pathogenic for COL1A1-related disorders. Last evaluated: 2024-07-30. Review status: criteria provided, single submitter. Criteria: ACMG Guidelines, 2015. Collection method: clinical testing. Allele origin: germline. Affected: yes. Observed: 1 variant allele.

Labcorp Genetics (formerly Invitae), Labcorp
Classification: Pathogenic for Osteogenesis imperfecta type I. Last evaluated: 2023-08-27. Review status: criteria provided, single submitter. Criteria: Invitae Variant Classification Sherloc (09022015). Collection method: clinical testing. Allele origin: germline.
Comment: This sequence change affects a donor splice site in intron 21 of the COL1A1 gene. It is expected to disrupt RNA splicing. Variants that disrupt the donor or acceptor splice site typically lead to a loss of protein function (PMID: 16199547), and loss-of-function variants in COL1A1 are known to be pathogenic (PMID: 7942841, 9295084, 9443882). This variant is not present in population databases (gnomAD no frequency). Disruption of this splice site has been observed in individuals with autosomal dominant osteogenesis imperfecta (PMID: 16879195, 25963598, 30715774, 30886339). Algorithms developed to predict the effect of sequence changes on RNA splicing suggest that this variant may disrupt the consensus splice site. For these reasons, this variant has been classified as Pathogenic.

Literature cited by the submitters: PubMed 16199547 (cited by Labcorp Genetics (formerly Invitae), Labcorp); PubMed 7942841 (cited by Labcorp Genetics (formerly Invitae), Labcorp); PubMed 9295084 (cited by Labcorp Genetics (formerly Invitae), Labcorp); PubMed 9443882 (cited by Labcorp Genetics (formerly Invitae), Labcorp); PubMed 16879195 (cited by Labcorp Genetics (formerly Invitae), Labcorp); PubMed 25963598 (cited by Labcorp Genetics (formerly Invitae), Labcorp); PubMed 30715774 (cited by Labcorp Genetics (formerly Invitae), Labcorp); PubMed 30886339 (cited by Labcorp Genetics (formerly Invitae), Labcorp).

NM_000088.4(COL1A1):c.1461+1G>A

Gene: COL1A1 (collagen type I alpha 1 chain; minus strand). Cytogenetic location: 17q21.33.
Variant type: single nucleotide variant.
Coding change: c.1461+1G>A on transcript NM_000088.4 (MANE Select); the canonical splice donor site of the intron after coding-DNA position 1461, G replaced by A.
Molecular consequence: splice donor variant.
Genome position (GRCh38, 1-based): chr17:50,194,720, C>T on the plus strand (G>A on the coding strand, the complement: COL1A1 is on the minus strand). VCF-style: chr17-50194720-C-T. GRCh37 (hg19) VCF-style: chr17-48272081-C-T.
Identifiers: ClinVar variation 2736624 (VCV002736624.4), dbSNP rs72648347, ClinGen allele CA400217590.
Genomic context (GRCh38, chr17:50,194,720, plus strand): 5'-ACACACAGGCACCAGCCAGGCAATGAGGGTGGAGCGGGAGGGGGCGGGCAGGGACACTTA[C>T]ACGCTCGCCAGGGGGTCCGGGCAGGCCAGTGGGTCCGGGTTCACCTCGAGCTCCTCGCTT-3'